The following is an entry in ClinVar:

ClinVar aggregate classification (germline): Uncertain significance (1 of 4 stars; one submission).

Conditions:
Hereditary cancer-predisposing syndrome. Also called: Neoplastic Syndromes, Hereditary; Tumor predisposition; Hereditary Cancer Syndrome; Hereditary neoplastic syndrome. Identifiers: Orphanet 140162, MedGen C0027672, MeSH D009386, MONDO:0015356.

Submission:

Ambry Genetics
Classification: Uncertain significance for Hereditary cancer-predisposing syndrome. Last evaluated: 2026-03-17. Review status: criteria provided, single submitter. Criteria: Ambry Variant Classification Scheme 2023. Collection method: clinical testing. Allele origin: germline.
Comment: The p.F1396S variant (also known as c.4187T>C), located in coding exon 15 of the APC gene, results from a T to C substitution at nucleotide position 4187. The phenylalanine at codon 1396 is replaced by serine, an amino acid with highly dissimilar properties. This amino acid position is conserved. In addition, in silico predictors for this gene do not accurately predict pathogenicity. Based on the available evidence, the clinical significance of this variant remains unclear.

NM_000038.6(APC):c.4187T>C (p.Phe1396Ser)

Gene: APC (APC regulator of Wnt signaling pathway; plus strand). Cytogenetic location: 5q22.2.
Variant type: single nucleotide variant.
Coding change: c.4187T>C on transcript NM_000038.6 (MANE Select); coding-DNA position 4187, T replaced by C.
Protein change: p.Phe1396Ser; replaces phenylalanine 1396 with serine.
Molecular consequence: missense variant. On other transcripts: non-coding transcript variant (2).
Genome position (GRCh38, 1-based): chr5:112,839,781, T>C. VCF-style: chr5-112839781-T-C. GRCh37 (hg19) VCF-style: chr5-112175478-T-C.
Other names: c.4187T>C, p.Phe1396Ser (NM_001127510.3, NM_001354895.2, NM_001407450.1); c.4133T>C, p.Phe1378Ser (NM_001127511.3); c.4241T>C, p.Phe1414Ser (NM_001354896.2, NM_001407447.1, NM_001407448.1 and 1 more transcripts); c.4217T>C, p.Phe1406Ser (NM_001354897.2); c.4112T>C, p.Phe1371Ser (NM_001354898.2); c.4103T>C, p.Phe1368Ser (NM_001354899.2); c.4064T>C, p.Phe1355Ser (NM_001354900.2); c.4010T>C, p.Phe1337Ser (NM_001354901.2, NM_001407453.1); and 11 more; short protein forms F1012S, F1113S, F1236S, F1267S, F1270S, F1295S, F1305S, F1313S.
Identifiers: ClinVar variation 4860851 (VCV004860851.1).